The following is an entry in ClinVar:

ClinVar aggregate classification (germline): Benign/Likely benign. Review status: criteria provided, multiple submitters, no conflicts (2 of 4 stars). 3 submissions from 3 submitters: Benign (2); Likely benign (1). Last evaluated 2026-09-01.

Allele frequency attached by ClinVar (database versions not stated): gnomAD 0.00009; gnomAD exomes 0.00013 and 0.00029; 1000 Genomes Project 30x 0.00016; ExAC 0.00019; 1000 Genomes Project 0.00020; TOPMed 0.00021.
gnomAD v4.1: 93 of 1,613,324 alleles (0.0058%); highest among the groups gnomAD compares: Admixed American, 0.15%; no homozygotes.

Submissions (3):

CeGaT Center for Human Genetics Tuebingen
Classification: Likely benign. Last evaluated: 2026-09-01. Review status: criteria provided, single submitter. Criteria: CeGaT Center For Human Genetics Tuebingen Variant Classification Criteria Version 2. Collection method: clinical testing. Allele origin: germline. Affected: yes. Observed: 2 variant alleles.
Comment: TRIO: BP4, BP7

GeneDx
Classification: Benign. Last evaluated: 2019-09-10. Review status: criteria provided, single submitter. Criteria: GeneDx Variant Classification Process June 2021. Collection method: clinical testing. Allele origin: germline. Affected: yes.

Labcorp Genetics (formerly Invitae), Labcorp
Classification: Benign. Last evaluated: 2018-05-10. Review status: criteria provided, single submitter. Criteria: Invitae Variant Classification Sherloc (09022015). Collection method: clinical testing. Allele origin: germline.

NM_007118.4(TRIO):c.2583C>T (p.Ala861=)

Gene: TRIO (trio Rho guanine nucleotide exchange factor; plus strand). Cytogenetic location: 5p15.2.
Variant type: single nucleotide variant.
Coding change: c.2583C>T on transcript NM_007118.4 (MANE Select); coding-DNA position 2583, C replaced by T.
Protein change: p.Ala861=; no amino-acid change (alanine 861 retained).
Molecular consequence: synonymous variant. On other transcripts: non-coding transcript variant (1).
Genome position (GRCh38, 1-based): chr5:14,363,923, C>T. VCF-style: chr5-14363923-C-T. GRCh37 (hg19) VCF-style: chr5-14364032-C-T.
Identifiers: ClinVar variation 729053 (VCV000729053.11), dbSNP rs191608099, ClinGen allele CA3205937.